The following is an entry in ClinVar:

ClinVar aggregate classification (germline): Uncertain significance (1 of 4 stars; one submission).

Conditions:
Pitt-Hopkins-like syndrome 2 (PTHSL2). Identifiers: Orphanet 221150, Orphanet 600663, MedGen C3280479, MONDO:0013690, OMIM 614325.

Submission:

Labcorp Genetics (formerly Invitae), Labcorp
Classification: Uncertain significance for Pitt-Hopkins-like syndrome 2. Last evaluated: 2020-12-02. Review status: criteria provided, single submitter. Criteria: Invitae Variant Classification Sherloc (09022015). Collection method: clinical testing. Allele origin: germline.
Comment: In summary, the available evidence is currently insufficient to determine the role of this variant in disease. Therefore, it has been classified as a Variant of Uncertain Significance. Algorithms developed to predict the effect of missense changes on protein structure and function are either unavailable or do not agree on the potential impact of this missense change (SIFT: "Deleterious"; PolyPhen-2: "Benign"; Align-GVGD: "Class C0"). This variant has not been reported in the literature in individuals with NRXN1-related conditions. The frequency data for this variant in the population databases is considered unreliable, as metrics indicate insufficient coverage at this position in the ExAC database. This sequence change replaces phenylalanine with serine at codon 43 of the NRXN1 protein (p.Phe43Ser). The phenylalanine residue is highly conserved and there is a large physicochemical difference between phenylalanine and serine.

NM_001330078.2(NRXN1):c.128T>C (p.Phe43Ser)

Gene: NRXN1 (neurexin 1; minus strand). Cytogenetic location: 2p16.3.
Variant type: single nucleotide variant.
Coding change: c.128T>C on transcript NM_001330078.2 (MANE Select); coding-DNA position 128, T replaced by C.
Protein change: p.Phe43Ser; replaces phenylalanine 43 with serine.
Molecular consequence: missense variant.
Genome position (GRCh38, 1-based): chr2:51,028,146, A>G on the plus strand (T>C on the coding strand, the complement: NRXN1 is on the minus strand). VCF-style: chr2-51028146-A-G. GRCh37 (hg19) VCF-style: chr2-51255284-A-G.
Other names: c.128T>C, p.Phe43Ser (NM_001135659.3, NM_001330077.2, NM_001330079.2 and 15 more transcripts); short protein forms F43S.
Identifiers: ClinVar variation 1487270 (VCV001487270.8), dbSNP rs2105334074, ClinGen allele CA346824653.
Genomic context (GRCh38, chr2:51,028,146, plus strand): 5'-GCGCTGCGAGTCTTGAGCTGGAAGCTCATCTCGCTCTCGCAGCAGGCGTTCCACTTGGGG[A>G]AGCGCGTCCATTGGCCCTCGGCGCCCGGAAACTCCAGCCCGCTGCCCAGCTCCGCCCAGC-3'
Protein context (NP_001317007.1, residues 33-53): FPGAEGQWTR[Phe43Ser]PKWNACCESE